The following is an entry in ClinVar:

NM_001080414.4(CCDC88C):c.5545G>A (p.Ala1849Thr)

Gene: CCDC88C (coiled-coil and HOOK domain protein 88C; minus strand). Cytogenetic location: 14q32.11.
Variant type: single nucleotide variant.
Coding change: c.5545G>A on transcript NM_001080414.4 (MANE Select); coding-DNA position 5545, G replaced by A.
Protein change: p.Ala1849Thr; replaces alanine 1849 with threonine.
Molecular consequence: missense variant.
Genome position (GRCh38, 1-based): chr14:91,273,167, C>T on the plus strand (G>A on the coding strand, the complement: CCDC88C is on the minus strand). VCF-style: chr14-91273167-C-T. GRCh37 (hg19) VCF-style: chr14-91739511-C-T.
Other names: c.5545G>A (NM_001080414.3); short protein forms A1849T.
Identifiers: ClinVar variation 2065482 (VCV002065482.4), dbSNP rs374858033, ClinGen allele CA7308637.

ClinVar aggregate classification (germline): Conflicting classifications of pathogenicity. Review status: criteria provided, conflicting classifications (1 of 4 stars). 2 submissions from 2 submitters: Uncertain significance (1); Likely benign (1). Last evaluated 2024-11-10.

Conditions:
Inborn genetic diseases. Identifiers: MedGen C0950123, MeSH D030342.

Allele frequency attached by ClinVar (database versions not stated): TOPMed 0.00011; ESP Exome Variant Server 0.00008; gnomAD 0.00008; ExAC 0.00020.

Submissions (2):

Ambry Genetics
Classification: Likely benign for Inborn genetic diseases. Last evaluated: 2024-11-10. Review status: criteria provided, single submitter. Criteria: Ambry Variant Classification Scheme 2023. Collection method: clinical testing. Allele origin: germline.

Labcorp Genetics (formerly Invitae), Labcorp
Classification: Uncertain significance. Last evaluated: 2024-10-23. Review status: criteria provided, single submitter. Criteria: Invitae Variant Classification Sherloc (09022015). Collection method: clinical testing. Allele origin: germline.
Comment: This sequence change replaces alanine, which is neutral and non-polar, with threonine, which is neutral and polar, at codon 1849 of the CCDC88C protein (p.Ala1849Thr). The frequency data for this variant in the population databases is considered unreliable, as metrics indicate poor data quality at this position in the gnomAD database. This variant has not been reported in the literature in individuals affected with CCDC88C-related conditions. ClinVar contains an entry for this variant (Variation ID: 2065482). An algorithm developed to predict the effect of missense changes on protein structure and function outputs the following: PolyPhen-2: "Benign". The threonine amino acid residue is found in multiple mammalian species, which suggests that this missense change does not adversely affect protein function. In summary, the available evidence is currently insufficient to determine the role of this variant in disease. Therefore, it has been classified as a Variant of Uncertain Significance.